The following is an entry in ClinVar:

ClinVar aggregate classification (germline): Pathogenic. Review status: criteria provided, multiple submitters, no conflicts (2 of 4 stars). 2 submissions from 2 submitters: Pathogenic (2). Last evaluated 2024-06-06.

Conditions:
Juvenile polyposis syndrome (JPS). Identifiers: Orphanet 2929, MedGen C0345893, MONDO:0017380, OMIM 174900.
Hereditary cancer-predisposing syndrome. Also called: Neoplastic Syndromes, Hereditary; Tumor predisposition; Hereditary Cancer Syndrome; Hereditary neoplastic syndrome. Identifiers: Orphanet 140162, MedGen C0027672, MeSH D009386, MONDO:0015356.

Submissions (2):

Myriad Genetics, Inc.
Classification: Pathogenic for Juvenile polyposis syndrome. Last evaluated: 2024-06-06. Review status: criteria provided, single submitter. Criteria: Myriad Autosomal Dominant, Autosomal Recessive and X-Linked Classification Criteria (2023). Collection method: clinical testing. Allele origin: unknown.
Comment: This variant is considered pathogenic. This variant creates a frameshift predicted to result in premature protein truncation.

Ambry Genetics
Classification: Pathogenic for Hereditary cancer-predisposing syndrome. Last evaluated: 2022-06-15. Review status: criteria provided, single submitter. Criteria: Ambry Variant Classification Scheme 2023. Collection method: clinical testing. Allele origin: germline.
Comment: The c.419_420delCT pathogenic mutation, located in coding exon 4 of the BMPR1A gene, results from a deletion of two nucleotides at nucleotide positions 419 to 420, causing a translational frameshift with a predicted alternate stop codon (p.P140Rfs*8). This alteration was observed in 1 of 80 unrelated individuals who met clinical criteria or were suspected to have JPS who completed SMAD4 and BMPR1A genetic testing (Aretz S et al. J Med Genet, 2007 Nov;44:702-9). This variant is considered to be rare based on population cohorts in the Genome Aggregation Database (gnomAD). In addition to the clinical data presented in the literature, this alteration is expected to result in loss of function by premature protein truncation or nonsense-mediated mRNA decay. As such, this alteration is interpreted as a disease-causing mutation.

Literature cited by the submitters: PubMed 17873119 (cited by Ambry Genetics).

NM_004329.3(BMPR1A):c.419_420del (p.Pro140fs)

Gene: BMPR1A (bone morphogenetic protein receptor type 1A; plus strand). Cytogenetic location: 10q23.2.
Variant type: Deletion.
Coding change: c.419_420del on transcript NM_004329.3 (MANE Select); coding-DNA positions 419 to 420, 2 bases deleted (CT; older notation c.419_420delCT).
Protein change: p.Pro140fs; shifts the reading frame from proline 140.
Molecular consequence: frameshift variant.
Genome position (GRCh38, 1-based): chr10:86,899,879-86,899,880, CT deleted. VCF-style (leftmost placement, unchanged base first): chr10-86899878-CCT-C. GRCh37 (hg19) VCF-style: chr10-88659635-CCT-C.
Other names: c.419_420delCT, p.Pro140Argfs (NM_001406559.1, NM_001406560.1, NM_001406561.1 and 22 more transcripts); c.335_336delCT, p.Pro112Argfs (NM_001406584.1, NM_001406585.1, NM_001406586.1 and 2 more transcripts); short protein forms P140fs.
Identifiers: ClinVar variation 1738567 (VCV001738567.3), dbSNP rs2539491393, ClinGen allele CA2580082106.